The following is an entry in ClinVar:

ClinVar aggregate classification (germline): Pathogenic (1 of 4 stars; one submission).

Conditions:
Mowat-Wilson syndrome (MOWS). Also called: Classic Mowat-Wilson Syndrome. Identifiers: Orphanet 2152, MedGen C1856113, MONDO:0009341, OMIM 235730.

Submission:

Labcorp Genetics (formerly Invitae), Labcorp
Classification: Pathogenic for Mowat-Wilson syndrome. Last evaluated: 2019-06-26. Review status: criteria provided, single submitter. Criteria: Invitae Variant Classification Sherloc (09022015). Collection method: clinical testing. Allele origin: germline.
Comment: Loss-of-function variants in ZEB2 are known to be pathogenic (PMID: 16053902). This sequence change creates a premature translational stop signal (p.Asn519Metfs*25) in the ZEB2 gene. It is expected to result in an absent or disrupted protein product. This variant is not present in population databases (ExAC no frequency). This variant has not been reported in the literature in individuals with ZEB2-related conditions. For these reasons, this variant has been classified as Pathogenic.

Literature cited by the submitters: PubMed 16053902.

NM_014795.4(ZEB2):c.1556del (p.Asn519fs)

Gene: ZEB2 (zinc finger E-box binding homeobox 2; minus strand). Cytogenetic location: 2q22.3.
Variant type: Deletion.
Coding change: c.1556del on transcript NM_014795.4 (MANE Select); coding-DNA position 1556, one base deleted (A; older notation c.1556delA).
Protein change: p.Asn519fs; shifts the reading frame from asparagine 519.
Molecular consequence: frameshift variant.
Genome position (GRCh38, 1-based): chr2:144,399,631, T deleted on the plus strand (A on the coding strand, the reverse complement: ZEB2 is on the minus strand); the first of 2 consecutive T bases (chr2:144,399,631-144,399,632); deleting either gives the same sequence. VCF-style (leftmost placement, unchanged base first): chr2-144399630-AT-A. GRCh37 (hg19) VCF-style: chr2-145157197-AT-A.
Other names: c.1484del, p.Asn495fs (NM_001171653.2); short protein forms N495fs, N519fs.
Identifiers: ClinVar variation 952291 (VCV000952291.7), dbSNP rs1703280349, ClinGen allele CA1139655630.